The following is an entry in ClinVar:

ClinVar aggregate classification (germline): Uncertain significance (1 of 4 stars; one submission).

Conditions:
Hereditary nonpolyposis colorectal neoplasms. Identifiers: MedGen C0009405, MeSH D003123.

Submission:

Labcorp Genetics (formerly Invitae), Labcorp
Classification: Uncertain significance for Hereditary nonpolyposis colorectal neoplasms. Last evaluated: 2018-03-08. Review status: criteria provided, single submitter. Criteria: Invitae Variant Classification Sherloc (09022015). Collection method: clinical testing. Allele origin: germline.
Comment: This sequence change replaces serine with threonine at codon 513 of the PMS2 protein (p.Ser513Thr). The serine residue is weakly conserved and there is a small physicochemical difference between serine and threonine. This variant is not present in population databases (ExAC no frequency). This variant has not been reported in the literature in individuals with PMS2-related disease. Algorithms developed to predict the effect of missense changes on protein structure and function output the following: SIFT: "Tolerated"; PolyPhen-2: "Benign"; Align-GVGD: "Class C0". The threonine amino acid residue is found in multiple mammalian species, suggesting that this missense change does not adversely affect protein function. These predictions have not been confirmed by published functional studies and their clinical significance is uncertain. In summary, the available evidence is currently insufficient to determine the role of this variant in disease. Therefore, it has been classified as a Variant of Uncertain Significance.

NM_000535.7(PMS2):c.1538G>C (p.Ser513Thr)

Gene: PMS2 (PMS1 homolog 2, mismatch repair system component; minus strand). Cytogenetic location: 7p22.1.
Variant type: single nucleotide variant.
Coding change: c.1538G>C on transcript NM_000535.7 (MANE Select); coding-DNA position 1538, G replaced by C.
Protein change: p.Ser513Thr; replaces serine 513 with threonine.
Molecular consequence: missense variant. On other transcripts: non-coding transcript variant (1).
Genome position (GRCh38, 1-based): chr7:5,987,227, C>G on the plus strand (G>C on the coding strand, the complement: PMS2 is on the minus strand). VCF-style: chr7-5987227-C-G. GRCh37 (hg19) VCF-style: chr7-6026858-C-G.
Other names: c.1133G>C, p.Ser378Thr (NM_001322003.2, NM_001322004.2, NM_001322005.2 and 1 more transcripts); c.1382G>C, p.Ser461Thr (NM_001322006.2); c.1220G>C, p.Ser407Thr (NM_001322007.2, NM_001322008.2); c.977G>C, p.Ser326Thr (NM_001322010.2); c.605G>C, p.Ser202Thr (NM_001322011.2, NM_001322012.2); c.965G>C, p.Ser322Thr (NM_001322013.2); c.1538G>C, p.Ser513Thr (NM_001322014.2); c.1229G>C, p.Ser410Thr (NM_001322015.2); short protein forms S513T, S410T, S378T, S202T, S322T, S407T, S461T, S326T.
Identifiers: ClinVar variation 576927 (VCV000576927.8), dbSNP rs1562631126, ClinGen allele CA366741638.
Genomic context (GRCh38, chr7:5,987,227, plus strand): 5'-ACATGTTCCTGCGAGCCCCTGTCCCCTGGGGAGCTGGCCGCATACTCGCTGCTGCAGTGA[C>G]TGCCCGTGTCTGGGATGCTGAACCCCTCAGAATCCACGGAAGTGCTGCCGTGCCCCGAGT-3'
Protein context (NP_000526.2, residues 503-523): SEGFSIPDTG[Ser513Thr]HCSSEYAASS